The following is an entry in ClinVar:

ClinVar aggregate classification (germline): Benign. Review status: criteria provided, multiple submitters, no conflicts (2 of 4 stars). 2 submissions from 2 submitters: Benign (2). Last evaluated 2016-03-28.

Allele frequency attached by ClinVar (database versions not stated): gnomAD 0.03035 and 0.03090; 1000 Genomes Project 30x 0.05356; ExAC 0.08959.

Submissions (2):

Laboratory for Molecular Medicine, Mass General Brigham Personalized Medicine
Classification: Benign. Last evaluated: 2016-03-28. Review status: criteria provided, single submitter. Criteria: LMM Criteria. Collection method: clinical testing. Allele origin: germline.
Comment: Variant identified in a genome or exome case(s) and assessed due to predicted null impact of the variant or pathogenic assertions in the literature or databases. Disclaimer: This variant has not undergone full assessment. The following are preliminary notes: Frequency

Breakthrough Genomics
Classification: Benign. Review status: criteria provided, single submitter. Criteria: ACMG Guidelines, 2015. Collection method: not provided. Allele origin: germline. Inheritance: Unknown mechanism. Affected: yes.

NM_001145004.2(GOLGA6L6):c.1847C>T (p.Thr616Met)

Gene: GOLGA6L6 (golgin A6 family like 6 (gene/pseudogene); minus strand). Cytogenetic location: 15q11.2.
Variant type: single nucleotide variant.
Coding change: c.1847C>T on transcript NM_001145004.2 (MANE Select); coding-DNA position 1847, C replaced by T.
Protein change: p.Thr616Met; replaces threonine 616 with methionine.
Molecular consequence: missense variant.
Genome position (GRCh38, 1-based): chr15:20,534,587, G>A on the plus strand (C>T on the coding strand, the complement: GOLGA6L6 is on the minus strand). VCF-style: chr15-20534587-G-A. GRCh37 (hg19) VCF-style: chr15-20739825-G-A.
Other names: short protein forms T616M.
Identifiers: ClinVar variation 402906 (VCV000402906.5), dbSNP rs28590435, ClinGen allele CA7421378.